The following is an entry in ClinVar:

ClinVar aggregate classification (germline): Uncertain significance. Review status: criteria provided, multiple submitters, no conflicts (2 of 4 stars). 2 submissions from 2 submitters: Uncertain significance (2). Last evaluated 2023-09-20.

Allele frequency attached by ClinVar (database versions not stated): TOPMed below 0.00001; gnomAD 0.00001; gnomAD exomes 0.00001; 1000 Genomes Project 30x 0.00016; 1000 Genomes Project 0.00020.
gnomAD v4.1: 11 of 1,613,052 alleles (0.00068%); highest among the groups gnomAD compares: Admixed American, 0.0017%; no homozygotes.

Submissions (2):

Ambry Genetics
Classification: Uncertain significance. Last evaluated: 2023-09-20. Review status: criteria provided, single submitter. Criteria: Ambry Variant Classification Scheme 2023. Collection method: clinical testing. Allele origin: germline.

Labcorp Genetics (formerly Invitae), Labcorp
Classification: Uncertain significance. Last evaluated: 2023-07-14. Review status: criteria provided, single submitter. Criteria: Invitae Variant Classification Sherloc (09022015). Collection method: clinical testing. Allele origin: germline.
Comment: In summary, the available evidence is currently insufficient to determine the role of this variant in disease. Therefore, it has been classified as a Variant of Uncertain Significance. An algorithm developed to predict the effect of missense changes on protein structure and function (PolyPhen-2) suggests that this variant is likely to be disruptive. This variant has not been reported in the literature in individuals affected with KANK1-related conditions. This variant is present in population databases (rs552572906, gnomAD 0.002%). This sequence change replaces glycine, which is neutral and non-polar, with aspartic acid, which is acidic and polar, at codon 1301 of the KANK1 protein (p.Gly1301Asp).

NM_015158.5(KANK1):c.3902G>A (p.Gly1301Asp)

Gene: KANK1 (KN motif and ankyrin repeat domains 1; plus strand). Cytogenetic location: 9p24.3.
Variant type: single nucleotide variant.
Coding change: c.3902G>A on transcript NM_015158.5 (MANE Select); coding-DNA position 3902, G replaced by A.
Protein change: p.Gly1301Asp; replaces glycine 1301 with aspartic acid.
Molecular consequence: missense variant. On other transcripts: non-coding transcript variant (1).
Genome position (GRCh38, 1-based): chr9:744,495, G>A. VCF-style: chr9-744495-G-A. GRCh37 (hg19) VCF-style: chr9-744495-G-A.
Other names: c.3902G>A, p.Gly1301Asp (NM_001256876.3, NM_001256877.3, NM_001354334.2); c.3662G>A, p.Gly1221Asp (NM_001354331.2); c.3848G>A, p.Gly1283Asp (NM_001354332.2); c.3428G>A, p.Gly1143Asp (NM_001354333.2, NM_001354335.2, NM_001354337.2 and 2 more transcripts); c.3134G>A, p.Gly1045Asp (NM_001354336.2); c.3374G>A, p.Gly1125Asp (NM_001354338.2, NM_001354340.2, NM_001354344.2); c.3188G>A, p.Gly1063Asp (NM_001354339.2, NM_001354342.2, NM_001354343.2); c.3902G>A (NM_015158.2); short protein forms G1063D, G1283D, G1301D, G1143D, G1045D, G1221D, G1125D.
Identifiers: ClinVar variation 2741062 (VCV002741062.4), dbSNP rs552572906, ClinGen allele CA187805717.